The following is an entry in ClinVar:

ClinVar aggregate classification (germline): Uncertain significance (1 of 4 stars; one submission).

Allele frequency attached by ClinVar (database versions not stated): gnomAD exomes 0.00001; ExAC 0.00002; gnomAD 0.00002.
gnomAD v4.1: 18 of 1,612,326 alleles (0.0011%); highest among the groups gnomAD compares: South Asian, 0.018%; no homozygotes.

Submission:

Labcorp Genetics (formerly Invitae), Labcorp
Classification: Uncertain significance. Last evaluated: 2022-08-20. Review status: criteria provided, single submitter. Criteria: Invitae Variant Classification Sherloc (09022015). Collection method: clinical testing. Allele origin: germline.
Comment: This sequence change replaces glycine, which is neutral and non-polar, with cysteine, which is neutral and slightly polar, at codon 861 of the FCHO1 protein (p.Gly861Cys). The frequency data for this variant in the population databases is considered unreliable, as metrics indicate poor data quality at this position in the gnomAD database. This variant has not been reported in the literature in individuals affected with FCHO1-related conditions. Algorithms developed to predict the effect of missense changes on protein structure and function (SIFT, PolyPhen-2, Align-GVGD) all suggest that this variant is likely to be disruptive. In summary, the available evidence is currently insufficient to determine the role of this variant in disease. Therefore, it has been classified as a Variant of Uncertain Significance.

NM_015122.3(FCHO1):c.2581G>T (p.Gly861Cys)

Gene: FCHO1 (FCH and mu domain containing endocytic adaptor 1; plus strand). Cytogenetic location: 19p13.11.
Variant type: single nucleotide variant.
Coding change: c.2581G>T on transcript NM_015122.3 (MANE Select); coding-DNA position 2581, G replaced by T.
Protein change: p.Gly861Cys; replaces glycine 861 with cysteine.
Molecular consequence: missense variant. On other transcripts: non-coding transcript variant (36).
Genome position (GRCh38, 1-based): chr19:17,787,780, G>T. VCF-style: chr19-17787780-G-T. GRCh37 (hg19) VCF-style: chr19-17898589-G-T.
Other names: c.2581G>T, p.Gly861Cys (NM_001161357.2, NM_001161358.2, NM_001384370.1 and 11 more transcripts); c.2431G>T, p.Gly811Cys (NM_001161359.2, NM_001384384.1, NM_001384385.1 and 1 more transcripts); c.2560G>T, p.Gly854Cys (NM_001384387.1); c.2542G>T, p.Gly848Cys (NM_001384388.1, NM_001384389.1); c.2506G>T, p.Gly836Cys (NM_001384390.1); c.2381G>T, p.Gly794Val (NM_001384391.1); c.2464G>T, p.Gly822Cys (NM_001384392.1, NM_001384393.1, NM_001384394.1 and 1 more transcripts); c.2305G>T, p.Gly769Cys (NM_001384396.1, NM_001384397.1, NM_001384398.1 and 4 more transcripts); and 5 more; short protein forms G652V, G822C, G702V, G737C, G769C, G794V, G811C, G854C.
Identifiers: ClinVar variation 1920043 (VCV001920043.2), dbSNP rs773727366, ClinGen allele CA9300928.